The following is an entry in ClinVar:

NM_001035.3(RYR2):c.3551A>G (p.Asp1184Gly)

Gene: RYR2 (ryanodine receptor 2; plus strand). Cytogenetic location: 1q43.
Variant type: single nucleotide variant.
Coding change: c.3551A>G on transcript NM_001035.3 (MANE Select); coding-DNA position 3551, A replaced by G.
Protein change: p.Asp1184Gly; replaces aspartic acid 1184 with glycine.
Molecular consequence: missense variant.
Genome position (GRCh38, 1-based): chr1:237,569,272, A>G. VCF-style: chr1-237569272-A-G. GRCh37 (hg19) VCF-style: chr1-237732572-A-G.
Other names: short protein forms D1184G.
Identifiers: ClinVar variation 3069654 (VCV003069654.1), dbSNP rs2546448183, ClinGen allele CA345390647.

ClinVar aggregate classification (germline): Uncertain significance (1 of 4 stars; one submission).

Conditions:
Catecholaminergic polymorphic ventricular tachycardia (CVPT). Also called: Catecholamine-induced polymorphic ventricular tachycardia. Identifiers: Orphanet 3286, MedGen C5574922, MONDO:0017990.

Submission:

All of Us Research Program, National Institutes of Health
Classification: Uncertain significance for Catecholaminergic polymorphic ventricular tachycardia. Last evaluated: 2023-02-24. Review status: criteria provided, single submitter. Criteria: ACMG Guidelines, 2015. Collection method: clinical testing. Allele origin: germline. Inheritance: Autosomal dominant inheritance. Observed: 1 variant allele, 1 heterozygote.
Comment: This missense variant replaces aspartic acid with glycine at codon 1184 of the RYR2 protein. Computational prediction is inconclusive regarding the impact of this variant on protein structure and function (internally defined REVEL score threshold 0.5 < inconclusive < 0.7, PMID: 27666373). To our knowledge, functional studies have not been reported for this variant. This variant has not been reported in individuals affected with cardiovascular disorders in the literature. This variant has not been identified in the general population by the Genome Aggregation Database (gnomAD). The available evidence is insufficient to determine the role of this variant in disease conclusively. Therefore, this variant is classified as a Variant of Uncertain Significance.

This study involves interpretation of variants in research participants for the purpose of population health screening. Participant phenotype was not available at the time of variant classification. Additional details can be found in publication PMID: 35346344, PMCID: PMC8962531